The following is an entry in ClinVar:

ClinVar aggregate classification (germline): Uncertain significance (1 of 4 stars; one submission).

Conditions:
Cryopyrin associated periodic syndrome (CAPS). Identifiers: Orphanet 208650, MedGen C2316212, MONDO:0016168.

Allele frequency attached by ClinVar (database versions not stated): gnomAD 0.00001; TOPMed 0.00001; ExAC 0.00001.
gnomAD v4.1: 22 of 1,614,056 alleles (0.0014%); highest among the groups gnomAD compares: Non-Finnish European, 0.0019%; no homozygotes.

Submission:

Labcorp Genetics (formerly Invitae), Labcorp
Classification: Uncertain significance for Cryopyrin associated periodic syndrome. Last evaluated: 2025-05-08. Review status: criteria provided, single submitter. Criteria: Invitae Variant Classification Sherloc (09022015). Collection method: clinical testing. Allele origin: germline.
Comment: This sequence change replaces arginine, which is basic and polar, with lysine, which is basic and polar, at codon 859 of the NLRP3 protein (p.Arg859Lys). This variant is present in population databases (rs758016730, gnomAD 0.0009%). This variant has not been reported in the literature in individuals affected with NLRP3-related conditions. ClinVar contains an entry for this variant (Variation ID: 2096907). Invitae Evidence Modeling of protein sequence and biophysical properties (such as structural, functional, and spatial information, amino acid conservation, physicochemical variation, residue mobility, and thermodynamic stability) indicates that this missense variant is not expected to disrupt NLRP3 protein function with a negative predictive value of 95%. In summary, the available evidence is currently insufficient to determine the role of this variant in disease. Therefore, it has been classified as a Variant of Uncertain Significance.

NM_001243133.2(NLRP3):c.2570G>A (p.Arg857Lys)

Gene: NLRP3 (NLR family pyrin domain containing 3; plus strand). Cytogenetic location: 1q44.
Variant type: single nucleotide variant.
Coding change: c.2570G>A on transcript NM_001243133.2 (MANE Select); coding-DNA position 2570, G replaced by A.
Protein change: p.Arg857Lys; replaces arginine 857 with lysine.
Molecular consequence: missense variant. On other transcripts: genic downstream transcript variant (2).
Genome position (GRCh38, 1-based): chr1:247,436,047, G>A. VCF-style: chr1-247436047-G-A. GRCh37 (hg19) VCF-style: chr1-247599349-G-A.
Other names: c.2570G>A, p.Arg857Lys (NM_001079821.3); c.2399G>A, p.Arg800Lys (NM_001127462.3); c.2576G>A, p.Arg859Lys (NM_004895.5); c.2492+1774G>A (NM_001127461.3); c.2321+1774G>A (NM_183395.3); short protein forms R800K, R859K, R857K.
Identifiers: ClinVar variation 2096907 (VCV002096907.4), dbSNP rs758016730, ClinGen allele CA1495295.
Genomic context (GRCh38, chr1:247,436,047, plus strand): 5'-TCACATCAGCATGTTGTCAGGATCTTGCATCAGTATTGAGCACCAGCCATTCCCTGACCA[G>A]ACTCTATGTGGGGGAGAATGCCTTGGGAGACTCAGGAGTCGCAATTTTATGTGAAAAAGC-3'
Protein context (NP_001230062.1, residues 847-867): SVLSTSHSLT[Arg857Lys]LYVGENALGD